The following is an entry in ClinVar:

ClinVar aggregate classification (germline): Uncertain significance. Review status: criteria provided, multiple submitters, no conflicts (2 of 4 stars). 2 submissions from 2 submitters: Uncertain significance (2). Last evaluated 2025-03-22.

Conditions:
Inborn genetic diseases. Identifiers: MedGen C0950123, MeSH D030342.

gnomAD v4.1: 1 of 1,614,184 alleles (0.000062%); highest among the groups gnomAD compares: Non-Finnish European, 0.000085%; no homozygotes.

Submissions (2):

Ambry Genetics
Classification: Uncertain significance for Inborn genetic diseases. Last evaluated: 2025-03-22. Review status: criteria provided, single submitter. Criteria: Ambry Variant Classification Scheme 2023. Collection method: clinical testing. Allele origin: germline.

Labcorp Genetics (formerly Invitae), Labcorp
Classification: Uncertain significance. Last evaluated: 2024-02-20. Review status: criteria provided, single submitter. Criteria: Invitae Variant Classification Sherloc (09022015). Collection method: clinical testing. Allele origin: germline.
Comment: This sequence change replaces valine, which is neutral and non-polar, with leucine, which is neutral and non-polar, at codon 321 of the PPARG protein (p.Val321Leu). This variant is not present in population databases (gnomAD no frequency). This variant has not been reported in the literature in individuals affected with PPARG-related conditions. Advanced modeling of protein sequence and biophysical properties (such as structural, functional, and spatial information, amino acid conservation, physicochemical variation, residue mobility, and thermodynamic stability) performed at Invitae indicates that this missense variant is not expected to disrupt PPARG protein function with a negative predictive value of 80%. In summary, the available evidence is currently insufficient to determine the role of this variant in disease. Therefore, it has been classified as a Variant of Uncertain Significance.

NM_138711.6(PPARG):c.871G>C (p.Val291Leu)

Gene: PPARG (peroxisome proliferator activated receptor gamma; plus strand). Cytogenetic location: 3p25.2.
Variant type: single nucleotide variant.
Coding change: c.871G>C on transcript NM_138711.6 (MANE Select); coding-DNA position 871, G replaced by C.
Protein change: p.Val291Leu; replaces valine 291 with leucine.
Molecular consequence: missense variant. On other transcripts: intron variant (5).
Genome position (GRCh38, 1-based): chr3:12,416,845, G>C. VCF-style: chr3-12416845-G-C. GRCh37 (hg19) VCF-style: chr3-12458344-G-C.
Other names: c.961G>C (NM_015869.4); c.871G>C, p.Val291Leu (NM_001354666.3, NM_001354667.3, NM_001374263.2 and 3 more transcripts); c.244G>C, p.Val82Leu (NM_001354669.2); c.961G>C, p.Val321Leu (NM_015869.5); c.729+10764G>C (NM_001374261.3, NM_001374262.3, NM_001330615.4); c.653+10846G>C (NM_001374266.1); c.819+10764G>C (NM_001374265.1); short protein forms V291L, V321L, V82L.
Identifiers: ClinVar variation 3671333 (VCV003671333.3).